The following is an entry in ClinVar:

ClinVar aggregate classification (germline): Uncertain significance. Review status: criteria provided, multiple submitters, no conflicts (2 of 4 stars). 3 submissions from 3 submitters: Uncertain significance (3). Last evaluated 2025-08-25.

Conditions:
Occipital pachygyria and polymicrogyria. Identifiers: Orphanet 280640, MedGen C3279875, MONDO:0013583, OMIM 614115.
Inborn genetic diseases. Identifiers: MedGen C0950123, MeSH D030342.

Allele frequency attached by ClinVar (database versions not stated): gnomAD exomes 0.00004 and 0.00006; ExAC 0.00006; gnomAD 0.00015; TOPMed 0.00017; ESP Exome Variant Server 0.00038.

Submissions (3):

Ambry Genetics
Classification: Uncertain significance for Inborn genetic diseases. Last evaluated: 2025-08-25. Review status: criteria provided, single submitter. Criteria: Ambry Variant Classification Scheme 2023. Collection method: clinical testing. Allele origin: germline.

Labcorp Genetics (formerly Invitae), Labcorp
Classification: Uncertain significance. Last evaluated: 2024-10-28. Review status: criteria provided, single submitter. Criteria: Invitae Variant Classification Sherloc (09022015). Collection method: clinical testing. Allele origin: germline.
Comment: This sequence change replaces arginine, which is basic and polar, with tryptophan, which is neutral and slightly polar, at codon 1472 of the LAMC3 protein (p.Arg1472Trp). This variant is present in population databases (rs145848963, gnomAD 0.02%). This variant has not been reported in the literature in individuals affected with LAMC3-related conditions. ClinVar contains an entry for this variant (Variation ID: 1030069). An algorithm developed to predict the effect of missense changes on protein structure and function outputs the following: PolyPhen-2: "Benign". The tryptophan amino acid residue is found in multiple mammalian species, which suggests that this missense change does not adversely affect protein function. In summary, the available evidence is currently insufficient to determine the role of this variant in disease. Therefore, it has been classified as a Variant of Uncertain Significance.

Baylor Genetics
Classification: Uncertain significance for Occipital pachygyria and polymicrogyria. Last evaluated: 2020-02-24. Review status: criteria provided, single submitter. Criteria: ACMG Guidelines, 2015. Collection method: clinical testing. Allele origin: unknown. Affected: yes.
Comment: This variant was determined to be of uncertain significance according to ACMG Guidelines, 2015 [PMID:25741868].

NM_006059.4(LAMC3):c.4414C>T (p.Arg1472Trp)

Gene: LAMC3 (laminin subunit gamma 3; plus strand). Cytogenetic location: 9q34.12.
Variant type: single nucleotide variant.
Coding change: c.4414C>T on transcript NM_006059.4 (MANE Select); coding-DNA position 4414, C replaced by T.
Protein change: p.Arg1472Trp; replaces arginine 1472 with tryptophan.
Molecular consequence: missense variant.
Genome position (GRCh38, 1-based): chr9:131,087,754, C>T. VCF-style: chr9-131087754-C-T. GRCh37 (hg19) VCF-style: chr9-133963141-C-T.
Other names: short protein forms R1472W.
Identifiers: ClinVar variation 1030069 (VCV001030069.7), dbSNP rs145848963, ClinGen allele CA5288174.